The following is an entry in ClinVar:

ClinVar aggregate classification (germline): Uncertain significance. Review status: criteria provided, multiple submitters, no conflicts (2 of 4 stars). 3 submissions from 3 submitters: Uncertain significance (3). Last evaluated 2025-08-08.

Conditions:
Inborn genetic diseases. Identifiers: MedGen C0950123, MeSH D030342.

Allele frequency attached by ClinVar (database versions not stated): ExAC 0.00003; TOPMed 0.00003; gnomAD 0.00004 and 0.00005; gnomAD exomes 0.00004.
gnomAD v4.1: 60 of 1,592,718 alleles (0.0038%); highest among the groups gnomAD compares: South Asian, 0.021%; no homozygotes.

Submissions (3):

Ambry Genetics
Classification: Uncertain significance for Inborn genetic diseases. Last evaluated: 2025-08-08. Review status: criteria provided, single submitter. Criteria: Ambry Variant Classification Scheme 2023. Collection method: clinical testing. Allele origin: germline.

Labcorp Genetics (formerly Invitae), Labcorp
Classification: Uncertain significance. Last evaluated: 2025-07-07. Review status: criteria provided, single submitter. Criteria: Invitae Variant Classification Sherloc (09022015). Collection method: clinical testing. Allele origin: germline.
Comment: This sequence change replaces aspartic acid, which is acidic and polar, with histidine, which is basic and polar, at codon 36 of the FARSB protein (p.Asp36His). This variant is present in population databases (rs535811358, gnomAD 0.02%). This variant has not been reported in the literature in individuals affected with FARSB-related conditions. ClinVar contains an entry for this variant (Variation ID: 1445579). An algorithm developed to predict the effect of missense changes on protein structure and function (PolyPhen-2) suggests that this variant is likely to be disruptive. In summary, the available evidence is currently insufficient to determine the role of this variant in disease. Therefore, it has been classified as a Variant of Uncertain Significance.

Breakthrough Genomics
Classification: Uncertain significance. Review status: criteria provided, single submitter. Criteria: ACMG Guidelines, 2015. Collection method: not provided. Allele origin: germline. Inheritance: Autosomal recessive inheritance. Affected: yes.

NM_005687.5(FARSB):c.106G>C (p.Asp36His)

Gene: FARSB (phenylalanyl-tRNA synthetase subunit beta; minus strand). Cytogenetic location: 2q36.1.
Variant type: single nucleotide variant.
Coding change: c.106G>C on transcript NM_005687.5 (MANE Select); coding-DNA position 106, G replaced by C.
Protein change: p.Asp36His; replaces aspartic acid 36 with histidine.
Molecular consequence: missense variant. On other transcripts: non-coding transcript variant (1).
Genome position (GRCh38, 1-based): chr2:222,648,748, C>G on the plus strand (G>C on the coding strand, the complement: FARSB is on the minus strand). VCF-style: chr2-222648748-C-G. GRCh37 (hg19) VCF-style: chr2-223513467-C-G.
Other names: c.106G>C (NM_005687.3); short protein forms D36H.
Identifiers: ClinVar variation 1445579 (VCV001445579.9), dbSNP rs535811358, ClinGen allele CA2136761.